The following is an entry in ClinVar:

ClinVar aggregate classification (germline): Uncertain significance. Review status: criteria provided, multiple submitters, no conflicts (2 of 4 stars). 4 submissions from 4 submitters: Uncertain significance (4). Last evaluated 2026-01-14.

Conditions:
TBK1-related disorder. Also called: TBK1-related condition.
Frontotemporal dementia and/or amyotrophic lateral sclerosis 4. Also called: FTDALS4. Identifiers: Orphanet 275872, MedGen C4225325, MONDO:0014641, OMIM 616439.

Allele frequency attached by ClinVar (database versions not stated): gnomAD 0.00003; gnomAD exomes 0.00004 and 0.00008; TOPMed 0.00007; ExAC 0.00015.

Submissions (4):

PreventionGenetics, part of Exact Sciences
Classification: Uncertain significance for TBK1-related condition. Last evaluated: 2026-01-14. Review status: criteria provided, single submitter. Criteria: ACMG Guidelines, 2015. Collection method: clinical testing. Allele origin: germline.
Comment: The TBK1 c.1190T>C variant is predicted to result in the amino acid substitution p.Ile397Thr. This variant was reported in multiple individuals with amyotrophic lateral sclerosis (Pozzi et al. 2017. PubMed ID: 28822984; Tripolszki et al. 2019. PubMed ID: 31475037; Scarlino et al. 2020. PubMed ID: 32397312) as well as in two individuals with early onset Alzheimer disease (Verheijen et al. 2017. PubMed ID: 29146049). The results of in vitro experimental studies are inconclusive but suggest this variant does not impact TBK1 function (Pozzi et al. 2017. PubMed ID: 28822984; Verheijen. 2018. PubMed ID: 29146049). This variant is reported in 0.015% of alleles in individuals of European (Non-Finnish) descent (gnomAD). At this time, the clinical significance of this variant is uncertain due to the absence of conclusive functional and genetic evidence.

Labcorp Genetics (formerly Invitae), Labcorp
Classification: Uncertain significance for Frontotemporal dementia and/or amyotrophic lateral sclerosis 4. Last evaluated: 2025-08-11. Review status: criteria provided, single submitter. Criteria: Invitae Variant Classification Sherloc (09022015). Collection method: clinical testing. Allele origin: germline.
Comment: This sequence change replaces isoleucine, which is neutral and non-polar, with threonine, which is neutral and polar, at codon 397 of the TBK1 protein (p.Ile397Thr). This variant is present in population databases (rs755069538, gnomAD 0.02%). This missense change has been observed in individual(s) with clinical features of TBK1-related conditions (PMID: 28822984, 29146049, 31475037). ClinVar contains an entry for this variant (Variation ID: 1318751). An algorithm developed to predict the effect of missense changes on protein structure and function (PolyPhen-2) suggests that this variant is likely to be tolerated. Experimental studies are conflicting or provide insufficient evidence to determine the effect of this variant on TBK1 function (PMID: 28822984). In summary, the available evidence is currently insufficient to determine the role of this variant in disease. Therefore, it has been classified as a Variant of Uncertain Significance.

GeneDx
Classification: Uncertain significance. Last evaluated: 2019-11-13. Review status: criteria provided, single submitter. Criteria: GeneDx Variant Classification Process June 2021. Collection method: clinical testing. Allele origin: germline. Affected: yes.
Comment: Published functional studies indicate that the variant results in enhanced phosphrylation of IRF3, whereas another functional study showed that it did not alter phosphorylation of NFkB. Therefore, the biological relevance of these results is unclear (Verheijen et al., 2018; Pozzi et al., 2017); In silico analysis, which includes protein predictors and evolutionary conservation, supports that this variant does not alter protein structure/function; This variant is associated with the following publications: (PMID: 28822984, 29146049, 31475037)

Breakthrough Genomics
Classification: Uncertain significance. Review status: criteria provided, single submitter. Criteria: ACMG Guidelines, 2015. Collection method: not provided. Allele origin: germline. Inheritance: Autosomal dominant inheritance. Affected: yes.

Literature cited by the submitters: PubMed 28822984 (cited by Labcorp Genetics (formerly Invitae), Labcorp); PubMed 29146049 (cited by Labcorp Genetics (formerly Invitae), Labcorp); PubMed 31475037 (cited by Labcorp Genetics (formerly Invitae), Labcorp).

NM_013254.4(TBK1):c.1190T>C (p.Ile397Thr)

Gene: TBK1 (TANK binding kinase 1; plus strand). Cytogenetic location: 12q14.2.
Variant type: single nucleotide variant.
Coding change: c.1190T>C on transcript NM_013254.4 (MANE Select); coding-DNA position 1190, T replaced by C.
Protein change: p.Ile397Thr; replaces isoleucine 397 with threonine.
Molecular consequence: missense variant.
Genome position (GRCh38, 1-based): chr12:64,485,455, T>C. VCF-style: chr12-64485455-T-C. GRCh37 (hg19) VCF-style: chr12-64879235-T-C.
Other names: short protein forms I397T.
Identifiers: ClinVar variation 1318751 (VCV001318751.12), dbSNP rs755069538, ClinGen allele CA6669001.
Genomic context (GRCh38, chr12:64,485,455, plus strand): 5'-AGGATAAAGTGATTTTTTCAAAAAGTTTTCTTTCTCATTTTATTTTACTTCATATTTCAG[T>C]TTCCCTCCCTAAAGTACATCCACGTTATGATTTAGACGGGGATGCTAGCATGGCTAAGGT-3'
Protein context (NP_037386.1, residues 387-407): LNTIGLIYEK[Ile397Thr]SLPKVHPRYD